The following is an entry in ClinVar:

NM_000318.3(PEX2):c.278T>C (p.Leu93Pro)

Gene: PEX2 (peroxisomal biogenesis factor 2; minus strand). Cytogenetic location: 8q21.13.
Variant type: single nucleotide variant.
Coding change: c.278T>C on transcript NM_000318.3 (MANE Select); coding-DNA position 278, T replaced by C.
Protein change: p.Leu93Pro; replaces leucine 93 with proline.
Molecular consequence: missense variant.
Genome position (GRCh38, 1-based): chr8:76,983,901, A>G on the plus strand (T>C on the coding strand, the complement: PEX2 is on the minus strand). VCF-style: chr8-76983901-A-G. GRCh37 (hg19) VCF-style: chr8-77896137-A-G.
Other names: c.278T>C, p.Leu93Pro (NM_001079867.2, NM_001172086.2, NM_001172087.2); short protein forms L93P.
Identifiers: ClinVar variation 2085994 (VCV002085994.4), dbSNP rs2487452826, ClinGen allele CA371557699.
Genomic context (GRCh38, chr8:76,983,901, plus strand): 5'-CCACCAATTGTACAAACAGCATACCAGATTTTTTGATTTTTACTGGGTGGCTGATATCTC[A>G]GGTTAGGGGAAAAATCATTTTTGTACTTAATATTCAAAACTGACTGTCCCACTGTGGCAT-3'
Protein context (NP_000309.2, residues 83-103): IKYKNDFSPN[Leu93Pro]RYQPPSKNQK

ClinVar aggregate classification (germline): Uncertain significance (1 of 4 stars; one submission).

Conditions:
Peroxisome biogenesis disorder 5A (Zellweger) (PBD5A). Identifiers: Orphanet 912, MedGen C3553940, MONDO:0013932, OMIM 614866.

Allele frequency attached by ClinVar (database versions not stated): gnomAD exomes below 0.00001.
gnomAD v4.1: 1 of 1,614,122 alleles (0.000062%); highest among the groups gnomAD compares: Non-Finnish European, 0.000085%; no homozygotes.

Submission:

Labcorp Genetics (formerly Invitae), Labcorp
Classification: Uncertain significance for Peroxisome biogenesis disorder 5A (Zellweger). Last evaluated: 2023-10-03. Review status: criteria provided, single submitter. Criteria: Invitae Variant Classification Sherloc (09022015). Collection method: clinical testing. Allele origin: germline.
Comment: This sequence change replaces leucine, which is neutral and non-polar, with proline, which is neutral and non-polar, at codon 93 of the PEX2 protein (p.Leu93Pro). This variant is not present in population databases (gnomAD no frequency). This variant has not been reported in the literature in individuals affected with PEX2-related conditions. ClinVar contains an entry for this variant (Variation ID: 2085994). Algorithms developed to predict the effect of missense changes on protein structure and function output the following: SIFT: "Not Available"; PolyPhen-2: "Benign"; Align-GVGD: "Not Available". The proline amino acid residue is found in multiple mammalian species, which suggests that this missense change does not adversely affect protein function. In summary, the available evidence is currently insufficient to determine the role of this variant in disease. Therefore, it has been classified as a Variant of Uncertain Significance.